The following is an entry in ClinVar:

ClinVar aggregate classification (germline): Uncertain significance (1 of 4 stars; one submission).

Conditions:
MEGF10-related myopathy (CMYO10A). Also called: Congenital myopathy 10A, severe variant. Identifiers: Orphanet 439212, MedGen C3280679, MONDO:0013731, OMIM 614399.

Submission:

Labcorp Genetics (formerly Invitae), Labcorp
Classification: Uncertain significance for MEGF10-related myopathy. Last evaluated: 2022-03-18. Review status: criteria provided, single submitter. Criteria: Invitae Variant Classification Sherloc (09022015). Collection method: clinical testing. Allele origin: germline.
Comment: Algorithms developed to predict the effect of missense changes on protein structure and function (SIFT, PolyPhen-2, Align-GVGD) all suggest that this variant is likely to be disruptive. This sequence change replaces arginine, which is basic and polar, with proline, which is neutral and non-polar, at codon 521 of the MEGF10 protein (p.Arg521Pro). This variant is not present in population databases (gnomAD no frequency). This variant has not been reported in the literature in individuals affected with MEGF10-related conditions. ClinVar contains an entry for this variant (Variation ID: 642548). In summary, the available evidence is currently insufficient to determine the role of this variant in disease. Therefore, it has been classified as a Variant of Uncertain Significance.

NM_001256545.2(MEGF10):c.1562G>C (p.Arg521Pro)

Gene: MEGF10 (multiple EGF like domains 10; plus strand). Cytogenetic location: 5q23.2.
Variant type: single nucleotide variant.
Coding change: c.1562G>C on transcript NM_001256545.2 (MANE Select); coding-DNA position 1562, G replaced by C.
Protein change: p.Arg521Pro; replaces arginine 521 with proline.
Molecular consequence: missense variant.
Genome position (GRCh38, 1-based): chr5:127,420,179, G>C. VCF-style: chr5-127420179-G-C. GRCh37 (hg19) VCF-style: chr5-126755871-G-C.
Other names: c.1562G>C, p.Arg521Pro (NM_001308119.2, NM_001308121.2, NM_032446.3); short protein forms R521P.
Identifiers: ClinVar variation 642548 (VCV000642548.9), dbSNP rs762636054, ClinGen allele CA360730208.